The following is an entry in ClinVar:

NM_005477.3(HCN4):c.3191_3217del (p.Gln1064_Pro1072del)

Gene: HCN4 (hyperpolarization activated cyclic nucleotide gated potassium channel 4; minus strand). Cytogenetic location: 15q24.1.
Variant type: Deletion.
Coding change: c.3191_3217del on transcript NM_005477.3 (MANE Select); coding-DNA positions 3191 to 3217, 27 bases deleted (AGGTCCCCCAGCGCCGGGGCACACCCC).
Protein change: p.Gln1064_Pro1072del.
Molecular consequence: inframe deletion.
Genome position (GRCh38, 1-based): chr15:73,322,876-73,322,902, GGGGTGTGCCCCGGCGCTGGGGGACCT deleted on the plus strand (AGGTCCCCCAGCGCCGGGGCACACCCC on the coding strand, the reverse complement: HCN4 is on the minus strand); deleting any 27 consecutive bases within chr15:73,322,876-73,322,908 gives the same sequence; the c. name uses the placement nearest the transcript's 3' end. VCF-style (leftmost placement, unchanged base first): chr15-73322875-GGGGGTGTGCCCCGGCGCTGGGGGACCT-G. GRCh37 (hg19) VCF-style: chr15-73615216-GGGGGTGTGCCCCGGCGCTGGGGGACCT-G.
Other names: p.Gln1064_Pro1072del; c.3191_3217del27 (NM_005477.2).
Identifiers: ClinVar variation 1062581 (VCV001062581.11), dbSNP rs776487863, ClinGen allele CA7648866.

ClinVar aggregate classification (germline): Uncertain significance. Review status: criteria provided, multiple submitters, no conflicts (2 of 4 stars). 4 submissions from 4 submitters: Uncertain significance (4). Last evaluated 2025-08-29.

Conditions:
Cardiovascular phenotype. Identifiers: MedGen CN230736.
Brugada syndrome 8 (BRGDA8). Identifiers: Orphanet 130, MedGen C2751083, MONDO:0013148, OMIM 613123.

Submissions (4):

Labcorp Genetics (formerly Invitae), Labcorp
Classification: Uncertain significance for Brugada syndrome 8. Last evaluated: 2025-08-29. Review status: criteria provided, single submitter. Criteria: Invitae Variant Classification Sherloc (09022015). Collection method: clinical testing. Allele origin: germline.
Comment: This variant, c.3191_3217del, results in the deletion of 9 amino acid(s) of the HCN4 protein (p.Gln1064_Pro1072del), but otherwise preserves the integrity of the reading frame. This variant is not present in population databases (gnomAD no frequency). This variant has not been reported in the literature in individuals affected with HCN4-related conditions. ClinVar contains an entry for this variant (Variation ID: 1062581). Experimental studies and prediction algorithms are not available or were not evaluated, and the functional significance of this variant is currently unknown. In summary, the available evidence is currently insufficient to determine the role of this variant in disease. Therefore, it has been classified as a Variant of Uncertain Significance.

Ambry Genetics
Classification: Uncertain significance for Cardiovascular phenotype. Last evaluated: 2024-06-01. Review status: criteria provided, single submitter. Criteria: Ambry Variant Classification Scheme 2023. Collection method: clinical testing. Allele origin: germline.
Comment: The c.3191_3217del27 variant (also known as p.Q1064_P1072del) is located in coding exon 8 of the HCN4 gene. This variant results from an in-frame AGGTCCCCCAGCGCCGGGGCACACCCC deletion at nucleotide positions 3191 to 3217. This results in the in-frame deletion of 9 amino acids from codon 1064 to codon 1072. This amino acid positions range from not well conserved to well conserved in available vertebrate species. In addition, the in silico prediction for this alteration is inconclusive (Choi Y et al. PLoS ONE. 2012; 7(10):e46688). Based on the available evidence, the clinical significance of this variant remains unclear.

Mayo Clinic Laboratories, Mayo Clinic
Classification: Uncertain significance. Last evaluated: 2023-06-21. Review status: criteria provided, single submitter. Criteria: ACMG Guidelines, 2015. Collection method: clinical testing. Allele origin: germline. Observed: 1 variant allele.
Comment: PM4

Revvity Omics, Revvity
Classification: Uncertain significance. Last evaluated: 2021-10-18. Review status: criteria provided, single submitter. Criteria: ACMG Guidelines, 2015. Collection method: clinical testing. Allele origin: germline.